The following is an entry in ClinVar:

ClinVar aggregate classification (germline): Conflicting classifications of pathogenicity. Review status: criteria provided, conflicting classifications (1 of 4 stars). 2 submissions from 2 submitters: Uncertain significance (1); Likely benign (1). Last evaluated 2024-07-17.

Conditions:
Familial thoracic aortic aneurysm and aortic dissection (TAAD). Also called: Thoracic aortic aneurysms and dissections. Identifiers: Orphanet 91387, MedGen C4707243, MONDO:0019625.
Aortic aneurysm, familial thoracic 4 (AAT4). Also called: AORTIC ANEURYSM/AORTIC DISSECTION AND PATENT DUCTUS ARTERIOSUS. Identifiers: MedGen C1851504, MONDO:0007568, OMIM 132900.

Submissions (2):

Labcorp Genetics (formerly Invitae), Labcorp
Classification: Likely benign for Aortic aneurysm, familial thoracic 4. Last evaluated: 2024-07-17. Review status: criteria provided, single submitter. Criteria: Invitae Variant Classification Sherloc (09022015). Collection method: clinical testing. Allele origin: germline.

All of Us Research Program, National Institutes of Health
Classification: Uncertain significance for Familial thoracic aortic aneurysm and aortic dissection. Last evaluated: 2023-05-16. Review status: criteria provided, single submitter. Criteria: ACMG Guidelines, 2015. Collection method: clinical testing. Allele origin: germline. Inheritance: Autosomal dominant inheritance. Observed: 1 variant allele, 1 heterozygote.
Comment: This variant causes a C to G nucleotide substitution at the -7 position of intron 37 of the MYH11 gene. To our knowledge, functional studies have not been reported for this variant. This variant has not been reported in individuals affected with MYH11-related disorders in the literature. This variant has not been identified in the general population by the Genome Aggregation Database (gnomAD). The available evidence is insufficient to determine the role of this variant in disease conclusively. Therefore, this variant is classified as a Variant of Uncertain Significance.

This study involves interpretation of variants in research participants for the purpose of population health screening. Participant phenotype was not available at the time of variant classification. Additional details can be found in publication PMID: 35346344, PMCID: PMC8962531

NM_002474.3(MYH11):c.5172-7C>G

Genes: NDE1 (nudE neurodevelopment protein 1; plus strand), MYH11 (myosin heavy chain 11; minus strand). Cytogenetic location: 16p13.11.
Variant type: single nucleotide variant.
Coding change: c.5172-7C>G on transcript NM_002474.3 (MANE Select); 7 bases into the intron before coding-DNA position 5172, C replaced by G.
Molecular consequence: intron variant.
Genome position (GRCh38, 1-based): chr16:15,718,445, G>C on the plus strand (C>G on the coding strand, the complement: MYH11 is on the minus strand). VCF-style: chr16-15718445-G-C. GRCh37 (hg19) VCF-style: chr16-15812302-G-C.
Other names: c.948-5746G>C (NM_001143979.2, NM_017668.3); c.5172-7C>G (NM_022844.3); c.5193-7C>G (NM_001040114.2, NM_001040113.2).
Identifiers: ClinVar variation 3071006 (VCV003071006.3), dbSNP rs2506095528, ClinGen allele CA2575922642.